The following is an entry in ClinVar:

ClinVar aggregate classification (germline): Pathogenic. Review status: criteria provided, multiple submitters, no conflicts (2 of 4 stars). 2 submissions from 2 submitters: Pathogenic (2). Last evaluated 2025-09-05.

Conditions:
Dyskeratosis congenita. Identifiers: Orphanet 1775, MedGen C0265965, MONDO:0015780.

Submissions (2):

Ambry Genetics
Classification: Pathogenic for Dyskeratosis congenita. Last evaluated: 2025-09-05. Review status: criteria provided, single submitter. Criteria: Ambry Variant Classification Scheme 2023. Collection method: clinical testing. Allele origin: germline.
Comment: The c.570_586dup17 pathogenic mutation, located in coding exon 2 of the TERT gene, results from a duplication of 17 nucleotides at position 570, causing a translational frameshift with a predicted alternate stop codon (p.R196Lfs*161). This variant is considered to be rare based on population cohorts in the Genome Aggregation Database (gnomAD). This alteration is expected to result in loss of function by premature protein truncation or nonsense-mediated mRNA decay. As such, this alteration is interpreted as a disease-causing mutation.

Genetic Services Laboratory, University of Chicago
Classification: Pathogenic. Last evaluated: 2021-02-01. Review status: criteria provided, single submitter. Criteria: ACMG Guidelines, 2015. Collection method: clinical testing. Allele origin: germline. Affected: yes.

NM_198253.3(TERT):c.570_586dup (p.Arg196fs)

Gene: TERT (telomerase reverse transcriptase; minus strand). Cytogenetic location: 5p15.33.
Variant type: Duplication.
Coding change: c.570_586dup on transcript NM_198253.3 (MANE Select); coding-DNA positions 570 to 586, 17 bases duplicated (TAGTGGACCCCGAAGGC).
Protein change: p.Arg196fs; shifts the reading frame from arginine 196.
Molecular consequence: frameshift variant. On other transcripts: non-coding transcript variant (2).
Genome position (GRCh38, 1-based): chr5:1,294,300-1,294,316, GCCTTCGGGGTCCACTA duplicated on the plus strand (TAGTGGACCCCGAAGGC on the coding strand, the reverse complement: TERT is on the minus strand); duplicating any 17 consecutive bases within chr5:1,294,300-1,294,318 gives the same sequence; the c. name uses the placement nearest the transcript's 3' end. VCF-style (leftmost placement, unchanged base first): chr5-1294299-C-CGCCTTCGGGGTCCACTA. GRCh37 (hg19) VCF-style: chr5-1294414-C-CGCCTTCGGGGTCCACTA.
Other names: c.570_586dupTAGTGGACCCCGAAGGC (NM_198253.2); c.570_586dup, p.Arg196fs (NM_001193376.3); short protein forms R196fs.
Identifiers: ClinVar variation 1338582 (VCV001338582.5), dbSNP rs2126688998, ClinGen allele CA2573052420.
Genomic context (GRCh38, chr5:1,294,299, plus strand): 5'-AGGCCCAGGGGGACCCCGGCCTCCCTGACGCTATGGTTCCAGGCCCGTTCGCATCCCAGA[C>CGCCTTCGGGGTCCACTA]GCCTTCGGGGTCCACTAGCGTGTGGCGGGGGCCGGGCCTGAGTGGCAGCGCCGAGCTGGT-3'